The following is an entry in ClinVar:

ClinVar aggregate classification (germline): Uncertain significance (1 of 4 stars; one submission).

Submission:

Labcorp Genetics (formerly Invitae), Labcorp
Classification: Uncertain significance. Last evaluated: 2022-02-04. Review status: criteria provided, single submitter. Criteria: Invitae Variant Classification Sherloc (09022015). Collection method: clinical testing. Allele origin: germline.
Comment: This variant is not present in population databases (gnomAD no frequency). In summary, the available evidence is currently insufficient to determine the role of this variant in disease. Therefore, it has been classified as a Variant of Uncertain Significance. Algorithms developed to predict the effect of missense changes on protein structure and function (SIFT, PolyPhen-2, Align-GVGD) all suggest that this variant is likely to be tolerated. ClinVar contains an entry for this variant (Variation ID: 1054692). This variant has not been reported in the literature in individuals affected with DHX38-related conditions. This sequence change replaces serine, which is neutral and polar, with proline, which is neutral and non-polar, at codon 343 of the DHX38 protein (p.Ser343Pro).

NM_014003.4(DHX38):c.1027T>C (p.Ser343Pro)

Gene: DHX38 (DEAH-box helicase 38; plus strand). Cytogenetic location: 16q22.2.
Variant type: single nucleotide variant.
Coding change: c.1027T>C on transcript NM_014003.4 (MANE Select); coding-DNA position 1027, T replaced by C.
Protein change: p.Ser343Pro; replaces serine 343 with proline.
Molecular consequence: missense variant.
Genome position (GRCh38, 1-based): chr16:72,099,798, T>C. VCF-style: chr16-72099798-T-C. GRCh37 (hg19) VCF-style: chr16-72133697-T-C.
Other names: short protein forms S343P.
Identifiers: ClinVar variation 1054692 (VCV001054692.9), dbSNP rs2144141535, ClinGen allele CA396704334.